The following is an entry in ClinVar:

ClinVar aggregate classification (germline): Uncertain significance (1 of 4 stars; one submission).

Conditions:
Axenfeld-Rieger syndrome type 3 (RIEG3). Also called: AXENFELD-RIEGER ANOMALY WITH CARDIAC DEFECTS AND/OR SENSORINEURAL HEARING LOSS. Identifiers: Orphanet 782, MedGen C2678503, MONDO:0011233, OMIM 602482.

Submission:

Labcorp Genetics (formerly Invitae), Labcorp
Classification: Uncertain significance for Axenfeld-Rieger syndrome type 3. Last evaluated: 2026-01-12. Review status: criteria provided, single submitter. Criteria: Invitae Variant Classification Sherloc (09022015). Collection method: clinical testing. Allele origin: germline.
Comment: This sequence change affects codon 374 of the FOXC1 mRNA. It is a 'silent' change, meaning that it does not change the encoded amino acid sequence of the FOXC1 protein. This variant is not present in population databases (gnomAD no frequency). This variant has not been reported in the literature in individuals affected with FOXC1-related conditions. ClinVar contains an entry for this variant (Variation ID: 3627023). In summary, the available evidence is currently insufficient to determine the role of this variant in disease. Therefore, it has been classified as a Variant of Uncertain Significance.

NM_001453.3(FOXC1):c.1122G>C (p.Ser374=)

Gene: FOXC1 (forkhead box C1; plus strand). Cytogenetic location: 6p25.3.
Variant type: single nucleotide variant.
Coding change: c.1122G>C on transcript NM_001453.3 (MANE Select); coding-DNA position 1122, G replaced by C.
Protein change: p.Ser374=; no amino-acid change (serine 374 retained).
Molecular consequence: synonymous variant.
Genome position (GRCh38, 1-based): chr6:1,611,567, G>C. VCF-style: chr6-1611567-G-C. GRCh37 (hg19) VCF-style: chr6-1611802-G-C.
Identifiers: ClinVar variation 3627023 (VCV003627023.2).